The following is an entry in ClinVar:

NM_002187.3(IL12B):c.*159A>C

Gene: IL12B (interleukin 12B; minus strand). Cytogenetic location: 5q33.3.
Variant type: single nucleotide variant.
Coding change: c.*159A>C on transcript NM_002187.3 (MANE Select); 159 bases downstream of the stop codon, A replaced by C.
Molecular consequence: 3 prime UTR variant.
Genome position (GRCh38, 1-based): chr5:159,315,942, T>G on the plus strand (A>C on the coding strand, the complement: IL12B is on the minus strand). VCF-style: chr5-159315942-T-G. GRCh37 (hg19) VCF-style: chr5-158742950-T-G.
Identifiers: ClinVar variation 352569 (VCV000352569.5), dbSNP rs3212227, ClinGen allele CA10621150.
Genomic context (GRCh38, chr5:159,315,942, plus strand): 5'-CTTGAGAGCTGGAAAATCTATACATAAATTAGCTGATTGTTTCAATGAGCATTTAGCATC[T>G]AACTATACAAATACAGCAAAGATATCATTGTGATCCTAAAAAAACGTTTTAAAGCAAATC-3'

ClinVar aggregate classification (germline): Benign (1 of 4 stars; one submission).

Conditions:
Mendelian susceptibility to mycobacterial diseases due to complete IL12B deficiency. Also called: IL12B DEFICIENCY; Immunodeficiency 29. Identifiers: Orphanet 319558, MedGen C4013948, MONDO:0013954, OMIM 614890.

Allele frequency attached by ClinVar (database versions not stated): gnomAD exomes 0.24306; gnomAD 0.25010; TOPMed 0.28050; 1000 Genomes Project 30x 0.35400; 1000 Genomes Project 0.35903.
gnomAD v4.1: 40,263 of 152,312 alleles (26%); highest among the groups gnomAD compares: East Asian, 46%; 5,876 homozygotes.

Submission:

Illumina Laboratory Services, Illumina
Classification: Benign for Mendelian susceptibility to mycobacterial diseases due to complete IL12B deficiency. Last evaluated: 2018-03-06. Review status: criteria provided, single submitter. Criteria: ICSL Variant Classification Criteria 13 December 2019. Collection method: clinical testing. Allele origin: germline.
Comment: This variant was observed in the ICSL laboratory as part of a predisposition screen in an ostensibly healthy population. It had not been previously curated by ICSL or reported in the Human Gene Mutation Database (HGMD: prior to June 1st, 2018), and was therefore a candidate for classification through an automated scoring system. Utilizing variant allele frequency, disease prevalence and penetrance estimates, and inheritance mode, an automated score was calculated to assess if this variant is too frequent to cause the disease. Based on the score and internal cut-off values, a variant classified as benign is not then subjected to further curation. The score for this variant resulted in a classification of benign for this disease.